The following is an entry in ClinVar:

ClinVar aggregate classification (germline): Uncertain significance (1 of 4 stars; one submission).

Conditions:
Cognitive impairment - coarse facies - heart defects - obesity - pulmonary involvement - short stature - skeletal dysplasia syndrome. Also called: Chops syndrome; AFF4-Related CHOPS Syndrome; COGNITIVE IMPAIRMENT, COARSE FACIES, HEART DEFECTS, OBESITY, PULMONARY INVOLVEMENT, SHORT STATURE, AND SKELETAL DYSPLASIA. Identifiers: Orphanet 444077, MedGen C4085597, MONDO:0014609, OMIM 616368.

Allele frequency attached by ClinVar (database versions not stated): TOPMed below 0.00001; gnomAD 0.00001.
gnomAD v4.1: 3 of 1,613,986 alleles (0.00019%); highest among the groups gnomAD compares: Admixed American, 0.0033%; no homozygotes.

Submission:

Labcorp Genetics (formerly Invitae), Labcorp
Classification: Uncertain significance for Cognitive impairment - coarse facies - heart defects - obesity - pulmonary involvement - short stature - skeletal dysplasia syndrome. Last evaluated: 2024-01-26. Review status: criteria provided, single submitter. Criteria: Invitae Variant Classification Sherloc (09022015). Collection method: clinical testing. Allele origin: germline.
Comment: This sequence change replaces alanine, which is neutral and non-polar, with threonine, which is neutral and polar, at codon 186 of the AFF4 protein (p.Ala186Thr). This variant is present in population databases (no rsID available, gnomAD 0.003%). This variant has not been reported in the literature in individuals affected with AFF4-related conditions. An algorithm developed to predict the effect of missense changes on protein structure and function (PolyPhen-2) suggests that this variant is likely to be disruptive. In summary, the available evidence is currently insufficient to determine the role of this variant in disease. Therefore, it has been classified as a Variant of Uncertain Significance.

NM_014423.4(AFF4):c.556G>A (p.Ala186Thr)

Gene: AFF4 (ALF transcription elongation factor 4; minus strand). Cytogenetic location: 5q31.1.
Variant type: single nucleotide variant.
Coding change: c.556G>A on transcript NM_014423.4 (MANE Select); coding-DNA position 556, G replaced by A.
Protein change: p.Ala186Thr; replaces alanine 186 with threonine.
Molecular consequence: missense variant.
Genome position (GRCh38, 1-based): chr5:132,934,509, C>T on the plus strand (G>A on the coding strand, the complement: AFF4 is on the minus strand). VCF-style: chr5-132934509-C-T. GRCh37 (hg19) VCF-style: chr5-132270201-C-T.
Other names: short protein forms A186T.
Identifiers: ClinVar variation 2808050 (VCV002808050.3), dbSNP rs1357170285, ClinGen allele CA360960167.